The following is an entry in ClinVar:

ClinVar aggregate classification (germline): Conflicting classifications of pathogenicity. Review status: criteria provided, conflicting classifications (1 of 4 stars). 4 submissions from 4 submitters: Uncertain significance (1); Benign (1); Likely benign (2). Last evaluated 2024-10-22.

Conditions:
Hereditary cancer-predisposing syndrome. Also called: Tumor predisposition; Neoplastic Syndromes, Hereditary; Hereditary Cancer Syndrome; Hereditary neoplastic syndrome. Identifiers: Orphanet 140162, MedGen C0027672, MeSH D009386, MONDO:0015356.
Birt-Hogg-Dube syndrome 1 (BHD1). Also called: FIBROFOLLICULOMAS WITH TRICHODISCOMAS AND ACROCHORDONS. Identifiers: Orphanet 122, MedGen CN375946, MONDO:0800445, OMIM 135150.
Birt-Hogg-Dube syndrome. Also called: Birt Hogg Dubé syndrome. Identifiers: Orphanet 122, MedGen C0346010, MONDO:0800444.

Allele frequency attached by ClinVar (database versions not stated): gnomAD exomes below 0.00001.
gnomAD v4.1: 1 of 1,614,150 alleles (0.000062%); highest among the groups gnomAD compares: South Asian, 0.0011%; no homozygotes.

Submissions (4):

Myriad Genetics, Inc.
Classification: Benign for Birt-Hogg-Dube syndrome 1. Last evaluated: 2024-10-22. Review status: criteria provided, single submitter. Criteria: Myriad Autosomal Dominant, Autosomal Recessive and X-Linked Classification Criteria (2023). Collection method: clinical testing. Allele origin: unknown.
Comment: This variant is considered benign. This variant is a silent/synonymous amino acid change and it is not expected to impact splicing.

Ambry Genetics
Classification: Likely benign for Hereditary cancer-predisposing syndrome. Last evaluated: 2022-08-16. Review status: criteria provided, single submitter. Criteria: Ambry Variant Classification Scheme 2023. Collection method: clinical testing. Allele origin: germline.

Labcorp Genetics (formerly Invitae), Labcorp
Classification: Likely benign for Birt-Hogg-Dube syndrome. Last evaluated: 2022-04-11. Review status: criteria provided, single submitter. Criteria: Invitae Variant Classification Sherloc (09022015). Collection method: clinical testing. Allele origin: germline.

GeneDx
Classification: Uncertain significance. Last evaluated: 2019-07-09. Review status: criteria provided, single submitter. Criteria: GeneDx Variant Classification Process June 2021. Collection method: clinical testing. Allele origin: germline. Affected: yes.
Comment: Not observed in large population cohorts (Lek et al., 2016); Has not been previously published as pathogenic or benign to our knowledge; In-silico analysis, which includes splice predictors and evolutionary conservation, is inconclusive as to whether the variant alters gene splicing. In the absence of RNA/functional studies, the actual effect of this sequence change is unknown.

NM_144997.7(FLCN):c.186C>T (p.Ser62=)

Gene: FLCN (folliculin; minus strand). Cytogenetic location: 17p11.2.
Variant type: single nucleotide variant.
Coding change: c.186C>T on transcript NM_144997.7 (MANE Select); coding-DNA position 186, C replaced by T.
Protein change: p.Ser62=; no amino-acid change (serine 62 retained).
Molecular consequence: synonymous variant.
Genome position (GRCh38, 1-based): chr17:17,227,952, G>A on the plus strand (C>T on the coding strand, the complement: FLCN is on the minus strand). VCF-style: chr17-17227952-G-A. GRCh37 (hg19) VCF-style: chr17-17131266-G-A.
Other names: c.186C>T (LRG_325t1); c.186C>T, p.Ser62= (NM_001353229.2, NM_001353230.2, NM_001353231.2 and 1 more transcripts).
Identifiers: ClinVar variation 415616 (VCV000415616.14), dbSNP rs1060504593, ClinGen allele CA16615124.